The following is an entry in ClinVar:

NM_153252.5(BRWD3):c.2689A>T (p.Arg897Trp)

Gene: BRWD3 (bromodomain and WD repeat domain containing 3; minus strand). Cytogenetic location: Xq21.1.
Variant type: single nucleotide variant.
Coding change: c.2689A>T on transcript NM_153252.5 (MANE Select); coding-DNA position 2689, A replaced by T.
Protein change: p.Arg897Trp; replaces arginine 897 with tryptophan.
Molecular consequence: missense variant.
Genome position (GRCh38, 1-based): chrX:80,704,710, T>A on the plus strand (A>T on the coding strand, the complement: BRWD3 is on the minus strand). VCF-style: chrX-80704710-T-A. GRCh37 (hg19) VCF-style: chrX-79960209-T-A.
Other names: short protein forms R897W.
Identifiers: ClinVar variation 1029230 (VCV001029230.1), dbSNP rs2072837542, ClinGen allele CA413626467.

ClinVar aggregate classification (germline): Uncertain significance (1 of 4 stars; one submission).

Conditions:
Intellectual developmental disorder, X-linked 93. Also called: MENTAL RETARDATION, X-LINKED, WITH MACROCEPHALY; Intellectual disability, X-linked 93. Identifiers: MedGen C1970841, MONDO:0010393, OMIM 300659.

Submission:

Baylor Genetics
Classification: Uncertain significance for Intellectual developmental disorder, X-linked 93. Last evaluated: 2020-06-19. Review status: criteria provided, single submitter. Criteria: ACMG Guidelines, 2015. Collection method: clinical testing. Allele origin: unknown. Affected: yes.
Comment: This variant was determined to be of uncertain significance according to ACMG Guidelines, 2015 [PMID:25741868].